The following is an entry in ClinVar:

ClinVar aggregate classification (germline): Uncertain significance (1 of 4 stars; one submission).

Submission:

Labcorp Genetics (formerly Invitae), Labcorp
Classification: Uncertain significance. Last evaluated: 2024-10-29. Review status: criteria provided, single submitter. Criteria: Invitae Variant Classification Sherloc (09022015). Collection method: clinical testing. Allele origin: germline.
Comment: This sequence change replaces glycine, which is neutral and non-polar, with glutamic acid, which is acidic and polar, at codon 18 of the TOP2B protein (p.Gly18Glu). This variant is not present in population databases (gnomAD no frequency). This variant has not been reported in the literature in individuals affected with TOP2B-related conditions. An algorithm developed to predict the effect of missense changes on protein structure and function (PolyPhen-2) suggests that this variant is likely to be tolerated. In summary, the available evidence is currently insufficient to determine the role of this variant in disease. Therefore, it has been classified as a Variant of Uncertain Significance.

NM_001330700.2(TOP2B):c.53G>A (p.Gly18Glu)

Genes: TOP2B (DNA topoisomerase II beta; minus strand), LOC129936375 (ATAC-STARR-seq lymphoblastoid silent region 14146; plus strand). Cytogenetic location: 3p24.2.
Variant type: single nucleotide variant.
Coding change: c.53G>A on transcript NM_001330700.2 (MANE Select); coding-DNA position 53, G replaced by A.
Protein change: p.Gly18Glu; replaces glycine 18 with glutamic acid.
Molecular consequence: missense variant.
Genome position (GRCh38, 1-based): chr3:25,664,245, C>T on the plus strand (G>A on the coding strand, the complement: TOP2B is on the minus strand). VCF-style: chr3-25664245-C-T. GRCh37 (hg19) VCF-style: chr3-25705736-C-T.
Other names: c.53G>A, p.Gly18Glu (NM_001068.3); short protein forms G18E.
Identifiers: ClinVar variation 3697570 (VCV003697570.2).